The following is an entry in ClinVar:

ClinVar aggregate classification (germline): Likely pathogenic (1 of 4 stars; one submission).

Conditions:
Dilated cardiomyopathy 1G (CMD1G). Identifiers: Orphanet 154, MedGen C1858763, MONDO:0011400, OMIM 604145.
Autosomal recessive limb-girdle muscular dystrophy type 2J (LGMDR10). Also called: Limb-girdle muscular dystrophy, type 2J; MUSCULAR DYSTROPHY, LIMB-GIRDLE, AUTOSOMAL RECESSIVE 10. Identifiers: Orphanet 140922, MedGen C1837342, MONDO:0012127, OMIM 608807.

Allele frequency attached by ClinVar (database versions not stated): TOPMed below 0.00001; gnomAD 0.00001.

Submission:

Labcorp Genetics (formerly Invitae), Labcorp
Classification: Likely pathogenic for Dilated cardiomyopathy 1G; Autosomal recessive limb-girdle muscular dystrophy type 2J. Last evaluated: 2021-01-04. Review status: criteria provided, single submitter. Criteria: Invitae Variant Classification Sherloc (09022015). Collection method: clinical testing. Allele origin: germline.
Comment: This variant has not been reported in the literature in individuals with TTN-related conditions. This variant is located in the M band of TTN (PMID: 25589632). Truncating variants in this region have been previously reported in individuals affected with autosomal recessive myopathy and muscular dystrophy (PMID: 18948003, 23975875, 24395473), but have not been definitively shown to cause cardiomyopathy (PMID: 25589632). In summary, the currently available evidence indicates that the variant is pathogenic, but additional data are needed to prove that conclusively. Therefore, this variant has been classified as Likely Pathogenic. This sequence change creates a premature translational stop signal (p.Pro35741Alafs*20) in the TTN gene. While this is not anticipated to result in nonsense mediated decay, it is expected to create a truncated TTN protein. This variant is not present in population databases (ExAC no frequency).

Literature cited by the submitters: PubMed 25589632; PubMed 18948003; PubMed 23975875; PubMed 24395473.

NM_001267550.2(TTN):c.107219dup (p.Pro35741fs)

Genes: TTN (titin; minus strand), TTN-AS1 (TTN antisense RNA 1; plus strand). Cytogenetic location: 2q31.2.
Variant type: Duplication.
Coding change: c.107219dup on transcript NM_001267550.2 (MANE Select); coding-DNA position 107219, one base duplicated (T; older notation c.107219dupT).
Protein change: p.Pro35741fs; shifts the reading frame from proline 35741.
Molecular consequence: frameshift variant.
Genome position (GRCh38, 1-based): chr2:178,528,532, A duplicated on the plus strand (T on the coding strand, the reverse complement: TTN is on the minus strand). VCF-style (leftmost placement, unchanged base first): chr2-178528531-C-CA. GRCh37 (hg19) VCF-style: chr2-179393258-C-CA.
Other names: c.102296dup, p.Pro34100fs (NM_001256850.1); c.80024dup, p.Pro26676fs (NM_003319.4); c.99515dup, p.Pro33173fs (NM_133378.4); c.80399dup, p.Pro26801fs (NM_133432.3); c.80600dup, p.Pro26868fs (NM_133437.4); short protein forms P26676fs, P26801fs, P26868fs, P33173fs, P34100fs, P35741fs.
Identifiers: ClinVar variation 1066131 (VCV001066131.9), dbSNP rs1427595954, ClinGen allele CA538434965.